The following is an entry in ClinVar:

NM_006887.5(ZFP36L2):c.335T>A (p.Leu112Gln)

Gene: ZFP36L2 (ZFP36 ring finger protein like 2; minus strand). Cytogenetic location: 2p21.
Variant type: single nucleotide variant.
Coding change: c.335T>A on transcript NM_006887.5 (MANE Select); coding-DNA position 335, T replaced by A.
Protein change: p.Leu112Gln; replaces leucine 112 with glutamine.
Molecular consequence: missense variant.
Genome position (GRCh38, 1-based): chr2:43,225,469, A>T on the plus strand (T>A on the coding strand, the complement: ZFP36L2 is on the minus strand). VCF-style: chr2-43225469-A-T. GRCh37 (hg19) VCF-style: chr2-43452608-A-T.
Other names: short protein forms L112Q.
Identifiers: ClinVar variation 3039683 (VCV003039683.2), dbSNP rs76867290, ClinGen allele CA1631597.
Genomic context (GRCh38, chr2:43,225,469, plus strand): 5'-TGGCTGCGATCGCCGTTCTCGCTAAACGAGCGGTCCCGGAATTTGTTCTCCTTGTTGAGC[A>T]GGGCTGTGCCGCCGCCCCCCGACGGCTCCTTAAGGGTGCCGTAGGAGGTCGGACCGCCGG-3'
Protein context (NP_008818.3, residues 102-122): KEPSGGGGTA[Leu112Gln]LNKENKFRDR

ClinVar aggregate classification (germline): Benign (0 of 4 stars; one submission).

Conditions:
ZFP36L2-related disorder. Also called: ZFP36L2-related condition.

Allele frequency attached by ClinVar (database versions not stated): ESP Exome Variant Server 0.00593; 1000 Genomes Project 0.00799; 1000 Genomes Project 30x 0.00843.

Submission:

PreventionGenetics, part of Exact Sciences
Classification: Benign for ZFP36L2-related condition. Last evaluated: 2020-05-15. Review status: no assertion criteria provided. Collection method: clinical testing. Allele origin: germline.
Comment: This variant is classified as benign based on ACMG/AMP sequence variant interpretation guidelines (Richards et al. 2015 PMID: 25741868, with internal and published modifications).